The following is an entry in ClinVar:

ClinVar aggregate classification (germline): Uncertain significance (1 of 4 stars; one submission).

Submission:

GeneDx
Classification: Uncertain significance. Last evaluated: 2022-12-13. Review status: criteria provided, single submitter. Criteria: GeneDx Variant Classification Process June 2021. Collection method: clinical testing. Allele origin: germline. Affected: yes.
Comment: Not observed at significant frequency in large population cohorts (gnomAD); In silico analysis supports that this missense variant does not alter protein structure/function; Has not been previously published as pathogenic or benign to our knowledge

NM_001379029.1(CERT1):c.1771G>T (p.Ala591Ser)

Gene: CERT1 (ceramide transporter 1; minus strand). Cytogenetic location: 5q13.3.
Variant type: single nucleotide variant.
Coding change: c.1771G>T on transcript NM_001379029.1 (MANE Select); coding-DNA position 1771, G replaced by T.
Protein change: p.Ala591Ser; replaces alanine 591 with serine.
Molecular consequence: missense variant. On other transcripts: intron variant (1).
Genome position (GRCh38, 1-based): chr5:75,379,450, C>A on the plus strand (G>T on the coding strand, the complement: CERT1 is on the minus strand). VCF-style: chr5-75379450-C-A. GRCh37 (hg19) VCF-style: chr5-74675275-C-A.
Other names: c.2155G>T, p.Ala719Ser (NM_001130105.1); c.1771G>T, p.Ala591Ser (NM_001379002.1, NM_005713.3); c.1693G>T, p.Ala565Ser (NM_001379003.1, NM_031361.3); c.1669+1622G>T (NM_001379004.1); short protein forms A565S, A591S, A719S.
Identifiers: ClinVar variation 2505711 (VCV002505711.1), dbSNP rs2478878711, ClinGen allele CA360138845.